The following is an entry in ClinVar:

NM_172351.3(CD46):c.390-1G>C

Gene: CD46 (CD46 molecule; plus strand). Cytogenetic location: 1q32.2.
Variant type: single nucleotide variant.
Coding change: c.390-1G>C on transcript NM_172351.3 (MANE Select); the canonical splice acceptor site of the intron before coding-DNA position 390, G replaced by C.
Molecular consequence: splice acceptor variant.
Genome position (GRCh38, 1-based): chr1:207,759,638, G>C. VCF-style: chr1-207759638-G-C. GRCh37 (hg19) VCF-style: chr1-207932983-G-C.
Other names: c.390-1G>C (NM_002389.4, NM_172359.3, NM_153826.4 and 8 more transcripts).
Identifiers: ClinVar variation 4291207 (VCV004291207.1).

ClinVar aggregate classification (germline): Pathogenic, low penetrance (1 of 4 stars; one submission).

Conditions:
Atypical hemolytic-uremic syndrome. Identifiers: Orphanet 2134, MedGen C2931788, MONDO:0016244.

Submission:

Genomenon, Inc
Classification: Pathogenic, low penetrance for Atypical hemolytic-uremic syndrome. Last evaluated: 2025-10-02. Review status: criteria provided, single submitter. Criteria: Genomenon Sequence Variant Interpretation Standards. Collection method: curation. Allele origin: germline. Affected: yes.
Comment: CD46 c.390-1G>C is a canonical splice variant located in the acceptor splice region in intron 3. It is predicted to affect mRNA splicing, leading to a deleterious effect on the CD46 protein. This variant has been observed in at least one proband affected with atypical hemolytic-uremic syndrome (PMID:27974740). It is absent or not present at a significant frequency in gnomAD. In conclusion, we classify CD46 c.390-1G>C as a pathogenic variant.

Literature cited by the submitters: PubMed 27974740.